The following is an entry in ClinVar:

NM_001135651.3(EIF2AK2):c.-17+1G>A

Gene: EIF2AK2 (eukaryotic translation initiation factor 2 alpha kinase 2; minus strand). Cytogenetic location: 2p22.2.
Variant type: single nucleotide variant.
Coding change: c.-17+1G>A on transcript NM_001135651.3 (MANE Select); the canonical splice donor site of the intron after 17 bases upstream of the start codon, G replaced by A.
Molecular consequence: splice donor variant.
Genome position (GRCh38, 1-based): chr2:37,148,856, C>T on the plus strand (G>A on the coding strand, the complement: EIF2AK2 is on the minus strand). VCF-style: chr2-37148856-C-T. GRCh37 (hg19) VCF-style: chr2-37375999-C-T.
Other names: c.-17+1G>A (NM_002759.4).
Identifiers: ClinVar variation 3901628 (VCV003901628.1).
Genomic context (GRCh38, chr2:37,148,856, plus strand): 5'-CATGTAATTGACTTAGATGATGCCACTTTTCTGAGTGCAAAATTCGGAAGACCGCTTGTA[C>T]CTGGTTGGAAGCTTTGTCCAAAATGCACGCAGATAATCACGGAAGTGTGGATGTTGATTC-3'

ClinVar aggregate classification (germline): Uncertain significance (1 of 4 stars; one submission).

gnomAD v4.1: 1 of 846,426 alleles (0.00012%); highest among the groups gnomAD compares: Non-Finnish European, 0.00021%; no homozygotes.

Submission:

GeneDx
Classification: Uncertain significance. Last evaluated: 2024-11-27. Review status: criteria provided, single submitter. Criteria: GeneDx Variant Classification Process June 2021. Collection method: clinical testing. Allele origin: germline. Affected: yes.
Comment: In silico analysis supports a deleterious effect on splicing; Has not been previously published as pathogenic or benign to our knowledge; No data available from control populations to assess the frequency of this variant